The following is an entry in ClinVar:

NM_000112.4(SLC26A2):c.166delinsCTC (p.Ile56fs)

Gene: SLC26A2 (solute carrier family 26 member 2; plus strand). Cytogenetic location: 5q32.
Variant type: Indel.
Coding change: c.166delinsCTC on transcript NM_000112.4 (MANE Select); coding-DNA position 166, A replaced by CTC.
Protein change: p.Ile56fs; shifts the reading frame from isoleucine 56.
Molecular consequence: frameshift variant.
Genome position (GRCh38, 1-based): chr5:149,977,818, A replaced by CTC. VCF-style: chr5-149977818-A-CTC. GRCh37 (hg19) VCF-style: chr5-149357381-A-CTC.
Other names: c.166delAinsCTC, p.Ile56Leufs (NM_000112.3); short protein forms I56fs.
Identifiers: ClinVar variation 4817460 (VCV004817460.1).

ClinVar aggregate classification (germline): Likely pathogenic (1 of 4 stars; one submission).

Conditions:
Achondrogenesis, type IB (ACG1B). Also called: Achondrogenesis Type 1B. Identifiers: Orphanet 932, Orphanet 93298, MedGen C0265274, MONDO:0010966, OMIM 600972.

Submission:

Natera, Inc.
Classification: Likely pathogenic for Achondrogenesis type IB. Last evaluated: 2024-09-20. Review status: criteria provided, single submitter. Criteria: Natera Variant Classification Schema (03/2026). Collection method: clinical testing. Allele origin: germline.
Comment: The c.166delinsCTC variant in SLC26A2 is a frameshift variant predicted to shift the reading frame beginning at codon 56 and leads to a stop codon 34 codons downstream. This variant is expected to result in nonsense mediated decay, truncation, or a dysfunctional protein product. This variant is rare in the general population with a frequency below the threshold expected for the associated phenotype(s). Given the available evidence, this variant is classified as Likely Pathogenic.